The following is an entry in ClinVar:

NM_000179.3(MSH6):c.261-14C>T

Gene: MSH6 (mutS homolog 6; plus strand). Cytogenetic location: 2p16.3.
Variant type: single nucleotide variant.
Coding change: c.261-14C>T on transcript NM_000179.3 (MANE Select); 14 bases into the intron before coding-DNA position 261, C replaced by T.
Molecular consequence: intron variant.
Genome position (GRCh38, 1-based): chr2:47,790,913, C>T. VCF-style: chr2-47790913-C-T. GRCh37 (hg19) VCF-style: chr2-48018052-C-T.
Other names: c.-476-14C>T (NM_001281493.2); c.237+7443C>T (NM_001281492.2); c.-642-14C>T (NM_001281494.2).
Identifiers: ClinVar variation 491912 (VCV000491912.25), dbSNP rs369366445, ClinGen allele CA069336.

ClinVar aggregate classification (germline): Benign/Likely benign. Review status: criteria provided, multiple submitters, no conflicts (2 of 4 stars). 9 submissions from 9 submitters: Benign (1); Likely benign (8). Last evaluated 2026-01-19.

Conditions:
Lynch syndrome. Identifiers: Orphanet 144, MedGen C4552100, MONDO:0005835. Disease mechanism: loss of function.
Hereditary nonpolyposis colorectal neoplasms. Identifiers: MedGen C0009405, MeSH D003123.
Lynch syndrome 5 (LYNCH5). Also called: Colorectal cancer, hereditary nonpolyposis, type 5; Hereditary non-polyposis colorectal cancer, type 5. Identifiers: Orphanet 144, MedGen C1833477, MONDO:0013710, OMIM 614350. Disease mechanism: loss of function.
Hereditary cancer-predisposing syndrome. Also called: Hereditary neoplastic syndrome; Tumor predisposition; Hereditary Cancer Syndrome; Neoplastic Syndromes, Hereditary. Identifiers: Orphanet 140162, MedGen C0027672, MeSH D009386, MONDO:0015356.

Allele frequency attached by ClinVar (database versions not stated): TOPMed 0.00004.
gnomAD v4.1: 132 of 1,613,600 alleles (0.0082%); highest among the groups gnomAD compares: Non-Finnish European, 0.011%; no homozygotes.

Submissions (9):

Labcorp Genetics (formerly Invitae), Labcorp
Classification: Likely benign for Hereditary nonpolyposis colorectal neoplasms. Last evaluated: 2026-01-19. Review status: criteria provided, single submitter. Criteria: Invitae Variant Classification Sherloc (09022015). Collection method: clinical testing. Allele origin: germline.

Center for Genomic Medicine, Rigshospitalet, Copenhagen University Hospital
Classification: Likely benign. Last evaluated: 2025-03-04. Review status: criteria provided, single submitter. Criteria: ACMG Guidelines, 2015. Collection method: clinical testing. Allele origin: germline.

Myriad Genetics, Inc.
Classification: Benign for Lynch syndrome 5. Last evaluated: 2024-12-18. Review status: criteria provided, single submitter. Criteria: Myriad Autosomal Dominant, Autosomal Recessive and X-Linked Classification Criteria (2023). Collection method: clinical testing. Allele origin: unknown.
Comment: This variant is considered benign. This variant is intronic and is not expected to impact mRNA splicing. This variant is strongly associated with less severe personal and family histories of cancer, typical for individuals without pathogenic variants in this gene [PMID: 27363726].

All of Us Research Program, National Institutes of Health
Classification: Likely benign for Lynch syndrome. Last evaluated: 2023-11-30. Review status: criteria provided, single submitter. Criteria: ACMG Guidelines, 2015. Collection method: clinical testing. Allele origin: germline. Inheritance: Autosomal dominant inheritance. Observed: 3 variant alleles, 3 heterozygotes.
Comment: This study involves interpretation of variants in research participants for the purpose of population health screening. Participant phenotype was not available at the time of variant classification. Additional details can be found in publication PMID: 35346344, PMCID: PMC8962531

Department of Pathology and Laboratory Medicine, Sinai Health System
Classification: Likely benign for Lynch syndrome. Last evaluated: 2023-02-03. Review status: criteria provided, single submitter. Criteria: ACMG Guidelines, 2015. Collection method: clinical testing. Allele origin: germline. Affected: yes.

ARUP Laboratories, Molecular Genetics and Genomics, ARUP Laboratories
Classification: Likely benign. Last evaluated: 2020-02-01. Review status: criteria provided, single submitter. Criteria: ARUP Molecular Germline Variant Investigation Process. Collection method: clinical testing. Allele origin: germline.

University of Washington Department of Laboratory Medicine, University of Washington
Classification: Likely benign for Hereditary nonpolyposis colon cancer. Last evaluated: 2018-02-01. Review status: criteria provided, single submitter. Criteria: Shirts BH et al. (Genet Med 2016). Collection method: clinical testing. Allele origin: germline. Inheritance: Autosomal dominant inheritance. Affected: yes.
Comment: RNA studies for MSH6:c.261-14C>T indicate normal splicing. Only full length MSH6 transcripts are detected in patientâ€™s lymphoblast and whole blood RNA. Equally expressed MSH6 alleles are detected in whole-blood RNA.

GeneDx
Classification: Likely benign. Last evaluated: 2017-03-10. Review status: criteria provided, single submitter. Criteria: GeneDx Variant Classification (06012015). Collection method: clinical testing. Allele origin: germline. Affected: yes.
Comment: This variant is considered likely benign or benign based on one or more of the following criteria: it is a conservative change, it occurs at a poorly conserved position in the protein, it is predicted to be benign by multiple in silico algorithms, and/or has population frequency not consistent with disease.

Color Diagnostics, LLC DBA Color Health
Classification: Likely benign for Hereditary cancer-predisposing syndrome. Last evaluated: 2016-10-06. Review status: criteria provided, single submitter. Criteria: ACMG Guidelines, 2015. Collection method: clinical testing. Allele origin: germline.

Literature cited by the submitters: PubMed 27363726 (cited by Myriad Genetics, Inc.).